The following is an entry in ClinVar:

NM_178452.6(DNAAF1):c.780G>C (p.Gln260His)

Gene: DNAAF1 (dynein axonemal assembly factor 1; plus strand). Cytogenetic location: 16q24.1.
Variant type: single nucleotide variant.
Coding change: c.780G>C on transcript NM_178452.6 (MANE Select); coding-DNA position 780, G replaced by C.
Protein change: p.Gln260His; replaces glutamine 260 with histidine.
Molecular consequence: missense variant.
Genome position (GRCh38, 1-based): chr16:84,159,713, G>C. VCF-style: chr16-84159713-G-C. GRCh37 (hg19) VCF-style: chr16-84193318-G-C.
Other names: c.24G>C, p.Gln8His (NM_001318756.1); short protein forms Q260H, Q8H.
Identifiers: ClinVar variation 163082 (VCV000163082.27), dbSNP rs112051327, ClinGen allele CA175677.
Genomic context (GRCh38, chr16:84,159,713, plus strand): 5'-GGTTCTGCTTGTCTTCTTGCAGCGTGTACTGAATTTGATGGGAAACCCGGTTATCAGACA[G>C]ATTCCTAATTACAGAAGGACAGTCACTGTACGACTAAAGCACTTAACATACCTGGATGAT-3'
Protein context (NP_848547.4, residues 250-270): LNLMGNPVIR[Gln260His]IPNYRRTVTV

ClinVar aggregate classification (germline): Benign/Likely benign. Review status: criteria provided, multiple submitters, no conflicts (2 of 4 stars). 9 submissions from 9 submitters: Benign (7); Likely benign (2). Last evaluated 2026-02-01.

Conditions:
Primary ciliary dyskinesia. Also called: Ciliary dyskinesia. Identifiers: Orphanet 244, MedGen C0008780, MONDO:0016575, HP:0012265.
Primary ciliary dyskinesia 13. Also called: CILIARY DYSKINESIA, PRIMARY, 13, WITH OR WITHOUT SITUS INVERSUS. Identifiers: Orphanet 244, MedGen C2750790, MONDO:0013174, OMIM 613193.

Allele frequency attached by ClinVar (database versions not stated): gnomAD exomes 0.00114 and 0.00300; ExAC 0.00362; gnomAD 0.01197; ESP Exome Variant Server 0.01200; 1000 Genomes Project 30x 0.01234; 1000 Genomes Project 0.01238; TOPMed 0.01306.
gnomAD v4.1: 3,579 of 1,613,980 alleles (0.22%); highest among the groups gnomAD compares: African/African-American, 4.2%; 74 homozygotes.

Submissions (9):

Labcorp Genetics (formerly Invitae), Labcorp
Classification: Benign for Primary ciliary dyskinesia. Last evaluated: 2026-02-01. Review status: criteria provided, single submitter. Criteria: Invitae Variant Classification Sherloc (09022015). Collection method: clinical testing. Allele origin: germline.

GeneDx
Classification: Likely benign. Last evaluated: 2025-06-05. Review status: criteria provided, single submitter. Criteria: GeneDx Variant Classification Process June 2021. Collection method: clinical testing. Allele origin: germline. Affected: yes.
Comment: See Variant Classification Assertion Criteria.

ARUP Laboratories, Molecular Genetics and Genomics, ARUP Laboratories
Classification: Benign for Primary ciliary dyskinesia 13. Last evaluated: 2023-11-29. Review status: criteria provided, single submitter. Criteria: ARUP Molecular Germline Variant Investigation Process 2024. Collection method: clinical testing. Allele origin: germline.

Fulgent Genetics
Classification: Likely benign for Primary ciliary dyskinesia 13. Last evaluated: 2021-09-16. Review status: criteria provided, single submitter. Criteria: ACMG Guidelines, 2015. Collection method: clinical testing. Allele origin: unknown.

Illumina Laboratory Services, Illumina
Classification: Benign for Primary ciliary dyskinesia 13. Last evaluated: 2018-01-13. Review status: criteria provided, single submitter. Criteria: ICSL Variant Classification Criteria 13 December 2019. Collection method: clinical testing. Allele origin: germline.
Comment: This variant was observed in the ICSL laboratory as part of a predisposition screen in an ostensibly healthy population. It had not been previously curated by ICSL or reported in the Human Gene Mutation Database (HGMD: prior to June 1st, 2018), and was therefore a candidate for classification through an automated scoring system. Utilizing variant allele frequency, disease prevalence and penetrance estimates, and inheritance mode, an automated score was calculated to assess if this variant is too frequent to cause the disease. Based on the score and internal cut-off values, a variant classified as benign is not then subjected to further curation. The score for this variant resulted in a classification of benign for this disease.

Ambry Genetics
Classification: Benign for Primary ciliary dyskinesia. Last evaluated: 2014-12-26. Review status: criteria provided, single submitter. Criteria: Ambry Variant Classification Scheme 2023. Collection method: clinical testing. Allele origin: germline.

Laboratory for Molecular Medicine, Mass General Brigham Personalized Medicine
Classification: Benign. Last evaluated: 2013-02-21. Review status: criteria provided, single submitter. Criteria: LMM Criteria. Collection method: clinical testing. Allele origin: germline. Observed: 3 variant alleles.
Comment: Gln260His in exon 6 of DNAAF1: This variant is not expected to have clinical sig nificance because it has been identified in 3.5% (154/4400) of African American chromosomes from a broad population by the NHLBI Exome Sequencing Project (dbSNP rs112051327).

Breakthrough Genomics
Classification: Benign. Review status: criteria provided, single submitter. Criteria: ACMG Guidelines, 2015. Collection method: not provided. Allele origin: germline. Inheritance: Autosomal recessive inheritance. Affected: yes.

PreventionGenetics, part of Exact Sciences
Classification: Benign. Review status: criteria provided, single submitter. Criteria: ACMG Guidelines, 2015. Collection method: clinical testing. Allele origin: germline.